The following is an entry in ClinVar:

ClinVar aggregate classification (germline): Uncertain significance (1 of 4 stars; one submission).

Allele frequency attached by ClinVar (database versions not stated): TOPMed below 0.00001; gnomAD 0.00001; gnomAD exomes 0.00002; ExAC 0.00004.
gnomAD v4.1: 24 of 1,611,452 alleles (0.0015%); highest among the groups gnomAD compares: East Asian, 0.053%; no homozygotes.

Submission:

Labcorp Genetics (formerly Invitae), Labcorp
Classification: Uncertain significance. Last evaluated: 2022-07-19. Review status: criteria provided, single submitter. Criteria: Invitae Variant Classification Sherloc (09022015). Collection method: clinical testing. Allele origin: germline.
Comment: This sequence change replaces phenylalanine, which is neutral and non-polar, with valine, which is neutral and non-polar, at codon 505 of the OCA2 protein (p.Phe505Val). This variant is present in population databases (rs754867134, gnomAD 0.05%). This variant has not been reported in the literature in individuals affected with OCA2-related conditions. Advanced modeling of protein sequence and biophysical properties (such as structural, functional, and spatial information, amino acid conservation, physicochemical variation, residue mobility, and thermodynamic stability) performed at Invitae indicates that this missense variant is expected to disrupt OCA2 protein function. In summary, the available evidence is currently insufficient to determine the role of this variant in disease. Therefore, it has been classified as a Variant of Uncertain Significance.

NM_000275.3(OCA2):c.1513T>G (p.Phe505Val)

Gene: OCA2 (OCA2 melanosomal transmembrane protein; minus strand). Cytogenetic location: 15q13.1.
Variant type: single nucleotide variant.
Coding change: c.1513T>G on transcript NM_000275.3 (MANE Select); coding-DNA position 1513, T replaced by G.
Protein change: p.Phe505Val; replaces phenylalanine 505 with valine.
Molecular consequence: missense variant.
Genome position (GRCh38, 1-based): chr15:27,966,813, A>C on the plus strand (T>G on the coding strand, the complement: OCA2 is on the minus strand). VCF-style: chr15-27966813-A-C. GRCh37 (hg19) VCF-style: chr15-28211959-A-C.
Other names: c.1441T>G, p.Phe481Val (NM_001300984.2); short protein forms F505V, F481V.
Identifiers: ClinVar variation 1924868 (VCV001924868.2), dbSNP rs754867134, ClinGen allele CA7439004.